The following is an entry in ClinVar:

ClinVar aggregate classification (germline): Likely pathogenic (1 of 4 stars; one submission).

Submission:

Labcorp Genetics (formerly Invitae), Labcorp
Classification: Likely pathogenic. Last evaluated: 2024-02-16. Review status: criteria provided, single submitter. Criteria: Invitae Variant Classification Sherloc (09022015). Collection method: clinical testing. Allele origin: germline.
Comment: This sequence change replaces glycine, which is neutral and non-polar, with valine, which is neutral and non-polar, at codon 301 of the COL4A5 protein (p.Gly301Val). This variant is not present in population databases (gnomAD no frequency). This missense change has been observed in individual(s) with clinical features of Alport syndrome (Invitae). Advanced modeling of protein sequence and biophysical properties (such as structural, functional, and spatial information, amino acid conservation, physicochemical variation, residue mobility, and thermodynamic stability) performed at Invitae indicates that this missense variant is expected to disrupt COL4A5 protein function with a positive predictive value of 95%. This variant disrupts the triple helix domain of COL4A5. Glycine residues within the Gly-Xaa-Yaa repeats of the triple helix domain are required for the structure and stability of fibrillar collagens (PMID: 7695699, 8218237, 19344236). In COL4A5, missense variants at these glycine residues are significantly enriched in individuals with disease (PMID: 23720012, 27627812) compared to the general population (ExAC). This variant disrupts the p.Gly301 amino acid residue in COL4A5. Other variant(s) that disrupt this residue have been observed in individuals with COL4A5-related conditions (Invitae), which suggests that this may be a clinically significant amino acid residue. In summary, the currently available evidence indicates that the variant is pathogenic, but additional data are needed to prove that conclusively. Therefore, this variant has been classified as Likely Pathogenic.

Literature cited by the submitters: PubMed 7695699; PubMed 8218237; PubMed 19344236; PubMed 23720012; PubMed 27627812.

NM_033380.3(COL4A5):c.902G>T (p.Gly301Val)

Gene: COL4A5 (collagen type IV alpha 5 chain; plus strand). Cytogenetic location: Xq22.3.
Variant type: single nucleotide variant.
Coding change: c.902G>T on transcript NM_033380.3 (MANE Select); coding-DNA position 902, G replaced by T.
Protein change: p.Gly301Val; replaces glycine 301 with valine.
Molecular consequence: missense variant.
Genome position (GRCh38, 1-based): chrX:108,580,993, G>T. VCF-style: chrX-108580993-G-T. GRCh37 (hg19) VCF-style: chrX-107824223-G-T.
Other names: c.902G>T, p.Gly301Val (NM_000495.5); short protein forms G301V.
Identifiers: ClinVar variation 2706119 (VCV002706119.3), dbSNP rs1569491075, ClinGen allele CA413926799.